The following is an entry in ClinVar:

ClinVar aggregate classification (germline): Pathogenic (1 of 4 stars; one submission).

Conditions:
CHARGE syndrome (CHARGE). Also called: Coloboma, heart anomaly, choanal atresia, retardation, genital and ear anomalies; CHARGE association; Hall-Hittner syndrome; Hittner Hirsch Kreh syndrome; CHARGE ASSOCIATION--COLOBOMA, HEART ANOMALY, CHOANAL ATRESIA, RETARDATION, GENITAL AND EAR ANOMALIES. Identifiers: Orphanet 138, MedGen C0265354, MONDO:0008965.

Submission:

Labcorp Genetics (formerly Invitae), Labcorp
Classification: Pathogenic for CHARGE syndrome. Last evaluated: 2018-07-25. Review status: criteria provided, single submitter. Criteria: Invitae Variant Classification Sherloc (09022015). Collection method: clinical testing. Allele origin: germline.
Comment: This sequence change creates a premature translational stop signal (p.Tyr904Leufs*11) in the CHD7 gene. It is expected to result in an absent or disrupted protein product. This variant is not present in population databases (ExAC no frequency). This variant has not been reported in the literature in individuals with CHD7-related disease. Loss-of-function variants in CHD7 are known to be pathogenic (PMID: 22461308, 25077900). For these reasons, this variant has been classified as Pathogenic.

Literature cited by the submitters: PubMed 22461308; PubMed 25077900.

NM_017780.4(CHD7):c.2710dup (p.Tyr904fs)

Gene: CHD7 (chromodomain helicase DNA binding protein 7; plus strand). Cytogenetic location: 8q12.2.
Variant type: Duplication.
Coding change: c.2710dup on transcript NM_017780.4 (MANE Select); coding-DNA position 2710, one base duplicated (T; older notation c.2710dupT).
Protein change: p.Tyr904fs; shifts the reading frame from tyrosine 904.
Molecular consequence: frameshift variant. On other transcripts: intron variant (1).
Genome position (GRCh38, 1-based): chr8:60,821,802, T duplicated. VCF-style (leftmost placement, unchanged base first): chr8-60821801-C-CT. GRCh37 (hg19) VCF-style: chr8-61734360-C-CT.
Other names: c.1717-40427dup (NM_001316690.1); short protein forms Y904fs.
Identifiers: ClinVar variation 655446 (VCV000655446.6), dbSNP rs1586389310, ClinGen allele CA915945715.